The following is an entry in ClinVar:

ClinVar aggregate classification (germline): Pathogenic/Likely pathogenic. Review status: criteria provided, multiple submitters, no conflicts (2 of 4 stars). 4 submissions from 4 submitters: Pathogenic (2); Likely pathogenic (2). Last evaluated 2024-05-22.

Conditions:
POLH-related disorder. Also called: POLH-related condition.
Xeroderma pigmentosum variant type. Also called: PHOTOSENSITIVITY WITH DEFECTIVE DNA SYNTHESIS; XERODERMA PIGMENTOSUM WITH NORMAL DNA REPAIR RATES; POLH-Related Xeroderma Pigmentosum. Identifiers: Orphanet 90342, MedGen C1848410, MONDO:0010214, OMIM 278750.

Submissions (4):

Fulgent Genetics
Classification: Likely pathogenic for Xeroderma pigmentosum variant type. Last evaluated: 2024-05-22. Review status: criteria provided, single submitter. Criteria: ACMG Guidelines, 2015. Collection method: clinical testing. Allele origin: germline.

Labcorp Genetics (formerly Invitae), Labcorp
Classification: Pathogenic. Last evaluated: 2024-01-04. Review status: criteria provided, single submitter. Criteria: Invitae Variant Classification Sherloc (09022015). Collection method: clinical testing. Allele origin: germline.
Comment: This sequence change creates a premature translational stop signal (p.Thr408Leufs*36) in the POLH gene. While this is not anticipated to result in nonsense mediated decay, it is expected to disrupt the last 306 amino acid(s) of the POLH protein. This variant is present in population databases (rs750991026, gnomAD 0.002%). This premature translational stop signal has been observed in individual(s) with xeroderma pigmentosum (PMID: 11773631). ClinVar contains an entry for this variant (Variation ID: 2431387). This variant disrupts a region of the POLH protein in which other variant(s) (p.Trp557Metfs*5) have been determined to be pathogenic (PMID: 11773631; Invitae). This suggests that this is a clinically significant region of the protein, and that variants that disrupt it are likely to be disease-causing. For these reasons, this variant has been classified as Pathogenic.

PreventionGenetics, part of Exact Sciences
Classification: Pathogenic for POLH-related condition. Last evaluated: 2023-01-18. Review status: criteria provided, single submitter. Criteria: ACMG Guidelines, 2015. Collection method: clinical testing. Allele origin: germline.
Comment: The POLH c.1222_1225delACTT variant is predicted to result in a frameshift and premature protein termination (p.Thr408Leufs*36). This variant was reported in multiple individuals with xeroderma pigmentosum (reported as Del 1222–1225 in Broughton et al. 2002. PubMed ID: 11773631). This variant is reported in 0.0018% of alleles in individuals of European (Non-Finnish) descent in gnomAD. Frameshift variants in POLH are expected to be pathogenic. This variant is interpreted as pathogenic.

Laboratorio de Genetica e Diagnostico Molecular, Hospital Israelita Albert Einstein
Classification: Likely pathogenic for Xeroderma pigmentosum variant type. Last evaluated: 2022-11-04. Review status: criteria provided, single submitter. Criteria: ACMG Guidelines, 2015. Collection method: clinical testing. Allele origin: germline. Affected: yes. Observed: 2 variant alleles.
Comment: ACMG classification criteria: PVS1 strong, PM2 moderated

Literature cited by the submitters: PubMed 11773631 (cited by Labcorp Genetics (formerly Invitae), Labcorp).

NM_006502.3(POLH):c.1222_1225del (p.Thr408fs)

Gene: POLH (DNA polymerase eta; plus strand). Cytogenetic location: 6p21.1.
Variant type: Deletion.
Coding change: c.1222_1225del on transcript NM_006502.3 (MANE Select); coding-DNA positions 1222 to 1225, 4 bases deleted (ACTT; older notation c.1222_1225delACTT).
Protein change: p.Thr408fs; shifts the reading frame from threonine 408.
Molecular consequence: frameshift variant.
Genome position (GRCh38, 1-based): chr6:43,610,701-43,610,704, ACTT deleted; deleting any 4 consecutive bases within chr6:43,610,700-43,610,704 gives the same sequence; the c. name uses the placement nearest the transcript's 3' end. VCF-style (leftmost placement, unchanged base first): chr6-43610699-ATACT-A. GRCh37 (hg19) VCF-style: chr6-43578436-ATACT-A.
Other names: c.850_853del, p.Thr284fs (NM_001291969.2); c.1222_1225del, p.Thr408fs (NM_001291970.2); short protein forms T284fs, T408fs.
Identifiers: ClinVar variation 2431387 (VCV002431387.6), dbSNP rs750991026, ClinGen allele CA3827203.
Genomic context (GRCh38, chr6:43,610,699, plus strand): 5'-TTACCCGCTATGATGCTCACAAGATGAGCCATGATGCATTTACTGTCATCAAGAACTGTA[ATACT>A]TCTGGAATCCAGACAGAATGGTGAGTTCTTTTCTAGCTCATCTTCTCAGAATAGATGATG-3'